The following is an entry in ClinVar:

ClinVar aggregate classification (germline): Uncertain significance. Review status: criteria provided, single submitter (1 of 4 stars). 2 submissions from 2 submitters: Uncertain significance (1). 1 of the submissions does not count toward it. Last evaluated 2021-10-09.

Conditions:
Hereditary insensitivity to pain with anhidrosis (CIPA). Also called: INSENSITIVITY TO PAIN, CONGENITAL, WITH ANHIDROSIS; hereditary sensory and autonomic neuropathy type 4; HSAN Type IV; NEUROPATHY, CONGENITAL SENSORY, WITH ANHIDROSIS; NTRK1 Congenital Insensitivity to Pain with Anhidrosis; FAMILIAL DYSAUTONOMIA, TYPE II. Identifiers: Orphanet 642, MedGen C0020074, MONDO:0009746, OMIM 256800.

Allele frequency attached by ClinVar (database versions not stated): gnomAD exomes 0.00001.
gnomAD v4.1: 3 of 1,614,188 alleles (0.00019%); highest among the groups gnomAD compares: East Asian, 0.0022%; no homozygotes.

Submissions (2):

Labcorp Genetics (formerly Invitae), Labcorp
Classification: Uncertain significance for Hereditary insensitivity to pain with anhidrosis. Last evaluated: 2021-10-09. Review status: criteria provided, single submitter. Criteria: Invitae Variant Classification Sherloc (09022015). Collection method: clinical testing. Allele origin: germline.
Comment: This sequence change replaces glutamic acid with glycine at codon 142 of the NTRK1 protein (p.Glu142Gly). The glutamic acid residue is moderately conserved and there is a moderate physicochemical difference between glutamic acid and glycine. This variant is not present in population databases (ExAC no frequency). This variant has not been reported in the literature in individuals affected with NTRK1-related conditions. Advanced modeling of protein sequence and biophysical properties (such as structural, functional, and spatial information, amino acid conservation, physicochemical variation, residue mobility, and thermodynamic stability) performed at Invitae indicates that this missense variant is not expected to disrupt NTRK1 protein function. In summary, the available evidence is currently insufficient to determine the role of this variant in disease. Therefore, it has been classified as a Variant of Uncertain Significance.

Natera, Inc.
Classification: Uncertain significance for Hereditary insensitivity to pain with anhidrosis. Last evaluated: 2025-04-17. Review status: no assertion criteria provided. Collection method: clinical testing. Allele origin: germline. Not counted in ClinVar's aggregate classification.

NM_002529.4(NTRK1):c.425A>G (p.Glu142Gly)

Gene: NTRK1 (neurotrophic receptor tyrosine kinase 1; plus strand). Cytogenetic location: 1q23.1.
Variant type: single nucleotide variant.
Coding change: c.425A>G on transcript NM_002529.4 (MANE Select); coding-DNA position 425, A replaced by G.
Protein change: p.Glu142Gly; replaces glutamic acid 142 with glycine.
Molecular consequence: missense variant.
Genome position (GRCh38, 1-based): chr1:156,866,975, A>G. VCF-style: chr1-156866975-A-G. GRCh37 (hg19) VCF-style: chr1-156836767-A-G.
Other names: c.425A>G (NM_001012331.1); c.335A>G, p.Glu112Gly (NM_001007792.1); c.425A>G, p.Glu142Gly (NM_001012331.2); short protein forms E112G, E142G.
Identifiers: ClinVar variation 1390726 (VCV001390726.4), dbSNP rs1655964414, ClinGen allele CA342933343.